The following is an entry in ClinVar:

NM_006648.4(WNK2):c.1798C>T (p.Pro600Ser)

Gene: WNK2 (WNK lysine deficient protein kinase 2; plus strand). Cytogenetic location: 9q22.31.
Variant type: single nucleotide variant.
Coding change: c.1798C>T on transcript NM_006648.4 (MANE Select); coding-DNA position 1798, C replaced by T.
Protein change: p.Pro600Ser; replaces proline 600 with serine.
Molecular consequence: missense variant.
Genome position (GRCh38, 1-based): chr9:93,247,798, C>T. VCF-style: chr9-93247798-C-T. GRCh37 (hg19) VCF-style: chr9-96010080-C-T.
Other names: c.1798C>T, p.Pro600Ser (NM_001282394.3); short protein forms P600S.
Identifiers: ClinVar variation 4866618 (VCV004866618.1).

ClinVar aggregate classification (germline): Uncertain significance (1 of 4 stars; one submission).

Submission:

Ambry Genetics
Classification: Uncertain significance. Last evaluated: 2026-04-22. Review status: criteria provided, single submitter. Criteria: Ambry Variant Classification Scheme 2023. Collection method: clinical testing. Allele origin: germline.
Comment: The p.P600S variant (also known as c.1798C>T), located in coding exon 7 of the WNK2 gene, results from a C to T substitution at nucleotide position 1798. The proline at codon 600 is replaced by serine, an amino acid with similar properties. This amino acid position is conserved. In addition, this alteration is predicted to be tolerated by in silico analysis. Based on the available evidence, the clinical significance of this variant remains unclear.